The following is an entry in ClinVar:

NM_006231.4(POLE):c.940T>G (p.Ser314Ala)

Gene: POLE (DNA polymerase epsilon, catalytic subunit; minus strand). Cytogenetic location: 12q24.33.
Variant type: single nucleotide variant.
Coding change: c.940T>G on transcript NM_006231.4 (MANE Select); coding-DNA position 940, T replaced by G.
Protein change: p.Ser314Ala; replaces serine 314 with alanine.
Molecular consequence: missense variant.
Genome position (GRCh38, 1-based): chr12:132,676,174, A>C on the plus strand (T>G on the coding strand, the complement: POLE is on the minus strand). VCF-style: chr12-132676174-A-C. GRCh37 (hg19) VCF-style: chr12-133252760-A-C.
Other names: short protein forms S314A.
Identifiers: ClinVar variation 224589 (VCV000224589.36), dbSNP rs770403791, ClinGen allele CA351224.
Genomic context (GRCh38, chr12:132,676,174, plus strand): 5'-CACAAAAGGGGCCTTCATATTCTGGCTTGGGGGTGAACTCAAAATCTTCAATATCTTCTG[A>C]AACAATCTCCCTGTTGGTGATGAGGTAGCCCTAGCCAAGTTCATTAGCAATCAGCACAAG-3'
Protein context (NP_006222.2, residues 304-324): GYLITNREIV[Ser314Ala]EDIEDFEFTP

ClinVar aggregate classification (germline): Conflicting classifications of pathogenicity. Review status: criteria provided, conflicting classifications (1 of 4 stars). 13 submissions from 13 submitters: Uncertain significance (6); Benign (1); Likely benign (5). 1 of the submissions does not count toward it. Last evaluated 2026-01-26.

Conditions:
POLE-related disorder. Also called: POLE-related disorders; POLE-related condition.
Hereditary cancer-predisposing syndrome. Also called: Neoplastic Syndromes, Hereditary; Tumor predisposition; Hereditary Cancer Syndrome; Hereditary neoplastic syndrome. Identifiers: Orphanet 140162, MedGen C0027672, MeSH D009386, MONDO:0015356.
Colorectal cancer, susceptibility to, 12 (CRCS12). Also called: COLORECTAL CANCER, SUSCEPTIBILITY TO, ON CHROMOSOME 12q24. Identifiers: Orphanet 220460, MedGen C3554460, MONDO:0014038, OMIM 615083.
Familial colorectal cancer. Identifiers: MedGen CN280943, MONDO:0023113. Disease mechanism: loss of function.

Allele frequency attached by ClinVar (database versions not stated): gnomAD exomes 0.00006 and 0.00011; TOPMed 0.00007; ExAC 0.00008; gnomAD 0.00010 and 0.00011.
gnomAD v4.1: 106 of 1,613,304 alleles (0.0066%); highest among the groups gnomAD compares: Middle Eastern, 0.033%; no homozygotes.

Submissions (13):

Labcorp Genetics (formerly Invitae), Labcorp
Classification: Likely benign. Last evaluated: 2026-01-26. Review status: criteria provided, single submitter. Criteria: Invitae Variant Classification Sherloc (09022015). Collection method: clinical testing. Allele origin: germline.

PreventionGenetics, part of Exact Sciences
Classification: Uncertain significance for POLE-related condition. Last evaluated: 2025-10-11. Review status: criteria provided, single submitter. Criteria: ACMG Guidelines, 2015. Collection method: clinical testing. Allele origin: germline.
Comment: The POLE c.940T>G variant is predicted to result in the amino acid substitution p.Ser314Ala. This variant was reported in an individual with endometrial carcinoma (Siraj et al 2019. PubMed ID: 31866764) and in another individual with a personal history of early onset colorectal cancer and significant family history of colorectal cancer/familial adenomatous polyposis (Fig 1 in Siraj AK et al 2020. PubMed ID: 32567205). This variant is reported in 0.23% of alleles in individuals of Ashkenazi Jewish descent in gnomAD, which is higher than would be expected for a pathogenic variant. It is reported with conflicting interpretations of benign to uncertain significance in ClinVar (Variation ID: 224589). Although we suspect that this variant may be benign, at this time, the clinical significance of this variant is uncertain due to the absence of conclusive functional and genetic evidence.

Dasa
Classification: Uncertain significance. Last evaluated: 2025-04-28. Review status: criteria provided, single submitter. Criteria: DASA Assertion Criteria. Collection method: clinical testing. Allele origin: germline.
Comment: NM_006231.4(POLE):c.940T>G (p.Ser314Ala) is a missense variant that results in the substitution of serine with alanine. This variant is rare in population databases. Computational prediction algorithms are consistent with a benign effect. The currently available literature and clinical evidence are not sufficient to establish a definitive association between this variant and the reported condition. Therefore, this variant is classified as a variant of uncertain significance.

Ambry Genetics
Classification: Likely benign for Hereditary cancer-predisposing syndrome. Last evaluated: 2024-08-30. Review status: criteria provided, single submitter. Criteria: Ambry Variant Classification Scheme 2023. Collection method: clinical testing. Allele origin: germline.

Blueprint Genetics
Classification: Likely benign. Last evaluated: 2024-07-18. Review status: criteria provided, single submitter. Criteria: ACMG Guidelines, 2015. Collection method: clinical testing. Allele origin: germline.

Myriad Genetics, Inc.
Classification: Uncertain significance for Colorectal cancer, susceptibility to, 12. Last evaluated: 2023-04-19. Review status: criteria provided, single submitter. Criteria: Myriad Autosomal Dominant, Autosomal Recessive and X-Linked Classification Criteria (2023). Collection method: clinical testing. Allele origin: unknown.
Comment: This variant is classified as a variant of uncertain significance as there is insufficient evidence to determine its impact on protein function and/or cancer risk.

Quest Diagnostics Nichols Institute San Juan Capistrano
Classification: Benign. Last evaluated: 2021-07-09. Review status: criteria provided, single submitter. Criteria: Quest Diagnostics criteria. Collection method: clinical testing. Allele origin: unknown.

St. Jude Molecular Pathology, St. Jude Children's Research Hospital
Classification: Uncertain significance for Colorectal cancer, susceptibility to, 12. Last evaluated: 2021-04-22. Review status: criteria provided, single submitter. Criteria: St. Jude Assertion Criteria 2020. Collection method: clinical testing. Allele origin: germline.
Comment: The POLE c.940T>G (p.Ser314Ala) missense change has a maximum non-founder population frequency of 0.0016% in gnomAD v2.1.1. Five of seven in silico tools predict a benign effect of this variant on protein function (BP4), but to our knowledge these predictions have not been confirmed by functional assays. This variant has been reported in an individual with early-onset colorectal cancer and a strong family history of colorectal cancer and familial adenomatous polyposis (PMID: 32567205) and an individual with endometrial carcinoma (PMID: 31866764). In summary, this variant meets criteria to be classified as of uncertain significance based on the ACMG/AMP criteria: BP4.

Sema4
Classification: Likely benign for Hereditary cancer-predisposing syndrome. Last evaluated: 2021-02-13. Review status: criteria provided, single submitter. Criteria: Sema4 Curation Guidelines. Collection method: curation. Allele origin: germline.

GeneDx
Classification: Likely benign. Last evaluated: 2019-10-17. Review status: criteria provided, single submitter. Criteria: GeneDx Variant Classification Process June 2021. Collection method: clinical testing. Allele origin: germline. Affected: yes.
Comment: In silico analysis, which includes protein predictors and evolutionary conservation, supports that this variant does not alter protein structure/function; This variant is associated with the following publications: (PMID: 31866764, 24410847, 26845104, 27720647, 32567205)

Mendelics
Classification: Uncertain significance for Familial colorectal cancer. Last evaluated: 2018-07-02. Review status: criteria provided, single submitter. Criteria: Mendelics Assertion Criteria 2017. Collection method: clinical testing. Allele origin: unknown.

University of Washington Department of Laboratory Medicine, University of Washington
Classification: Uncertain significance for Hereditary cancer-predisposing syndrome. Last evaluated: 2015-11-20. Review status: criteria provided, single submitter. Criteria: Shirts et al. (Genet Med 2016). Collection method: clinical testing. Allele origin: germline. Observed: 1 variant allele.

Counsyl
Classification: Uncertain significance for Colorectal cancer, susceptibility to, 12. Last evaluated: 2017-01-25. Review status: no assertion criteria provided. Collection method: clinical testing. Allele origin: unknown. Not counted in ClinVar's aggregate classification.

Literature cited by the submitters: PubMed 26845104 (cited by 4 submitters); PubMed 31866764 (cited by 3 submitters); PubMed 32546565 (cited by Ambry Genetics); PubMed 32567205 (cited by 3 submitters); PubMed 27720647 (cited by Quest Diagnostics Nichols Institute San Juan Capistrano and Sema4).